The following is an entry in ClinVar:

ClinVar aggregate classification (germline): Likely benign. Review status: criteria provided, multiple submitters, no conflicts (2 of 4 stars). 6 submissions from 6 submitters: Likely benign (6). Last evaluated 2025-07-13.

Conditions:
Breast-ovarian cancer, familial, susceptibility to, 1 (BROVCA1). Also called: BRCA1 Hereditary Breast and Ovarian Cancer; OVARIAN CANCER, SUSCEPTIBILITY TO. Identifiers: Orphanet 145, MedGen C2676676, MONDO:0011450, OMIM 604370. Disease mechanism: loss of function.
Hereditary cancer-predisposing syndrome. Also called: Neoplastic Syndromes, Hereditary; Hereditary neoplastic syndrome; Hereditary Cancer Syndrome; Tumor predisposition. Identifiers: Orphanet 140162, MedGen C0027672, MeSH D009386, MONDO:0015356.
Hereditary breast ovarian cancer syndrome. Also called: Hereditary breast and ovarian cancer syndrome; Breast and ovarian cancer; Hereditary breast and ovarian cancer syndrome (HBOC); Hereditary breast and/or ovarian cancer syndrome; BRCA1- and BRCA2-Associated Hereditary Breast and Ovarian Cancer; Hereditary breast and ovarian cancer. Identifiers: Orphanet 145, MedGen C0677776, MeSH D061325, MONDO:0003582. Disease mechanism: loss of function.

Allele frequency attached by ClinVar (database versions not stated): gnomAD exomes 0.00001; TOPMed 0.00003.
gnomAD v4.1: 7 of 1,606,088 alleles (0.00044%); highest among the groups gnomAD compares: African/African-American, 0.0027%; no homozygotes.

Submissions (7):

Labcorp Genetics (formerly Invitae), Labcorp
Classification: Likely benign for Hereditary breast ovarian cancer syndrome. Last evaluated: 2025-07-13. Review status: criteria provided, single submitter. Criteria: Invitae Variant Classification Sherloc (09022015). Collection method: clinical testing. Allele origin: germline.

Myriad Genetics, Inc.
Classification: Likely benign for Breast-ovarian cancer, familial, susceptibility to, 1. Last evaluated: 2024-06-05. Review status: criteria provided, single submitter. Criteria: Myriad Autosomal Dominant, Autosomal Recessive and X-Linked Classification Criteria (2023). Collection method: clinical testing. Allele origin: unknown.
Comment: This variant is considered likely benign. This variant is intronic and is not expected to impact mRNA splicing. This variant is strongly associated with less severe personal and family histories of cancer, typical for individuals without pathogenic variants in this gene [PMID: 25085752].

Women's Health and Genetics/Laboratory Corporation of America, LabCorp
Classification: Likely benign. Last evaluated: 2024-05-09. Review status: criteria provided, single submitter. Criteria: LabCorp Variant Classification Summary - May 2015. Collection method: clinical testing. Allele origin: germline.
Comment: Variant summary: BRCA1 c.5193+3A>G alters a non-conserved nucleotide located close to a canonical splice site and therefore could affect mRNA splicing, leading to a significantly altered protein sequence. Consensus agreement among computation tools predict no significant impact on normal splicing. The variant allele was found at a frequency of 4.8e-06 in 1447972 control chromosomes (gnomAD v4.1). The available data on variant occurrences in the general population are insufficient to allow any conclusion about variant significance. To our knowledge, no occurrence of c.5193+3A>G in individuals affected with Hereditary Breast And Ovarian Cancer Syndrome has been reported. At least one functional study reports experimental evidence evaluating an impact on protein function and showed no damaging effect of this variant on homology directed repair (HDR) activity (e.g. Findlay_2018). HDR assays qualify as a recognized gold standard on the basis of updated guidance provided by the ClinGen Sequence Variant Interpretation (SVI) working group. The following publication have been ascertained in the context of this evaluation (PMID: 30209399). ClinVar contains an entry for this variant (Variation ID: 409301). Based on the evidence outlined above, the variant was classified as likely benign.

Quest Diagnostics Nichols Institute San Juan Capistrano
Classification: Likely benign. Last evaluated: 2023-08-25. Review status: criteria provided, single submitter. Criteria: Quest Diagnostics criteria. Collection method: clinical testing. Allele origin: unknown.

Ambry Genetics
Classification: Likely benign for Hereditary cancer-predisposing syndrome. Last evaluated: 2021-01-14. Review status: criteria provided, single submitter. Criteria: Ambry Variant Classification Scheme 2023. Collection method: clinical testing. Allele origin: germline.

Color Diagnostics, LLC DBA Color Health
Classification: Likely benign for Hereditary cancer-predisposing syndrome. Last evaluated: 2018-01-01. Review status: criteria provided, single submitter. Criteria: ACMG Guidelines, 2015. Collection method: clinical testing. Allele origin: germline.

Brotman Baty Institute, University of Washington
No classification provided (evidence only). Condition: Breast-ovarian cancer, familial 1. Review status: no classification provided. Collection method: in vitro. Allele origin: not applicable. Functional consequence: functionally_normal. Not counted in ClinVar's aggregate classification.
ClinVar note: "not provided" was previously submitted as the classification for the variant. However, the classification appeared to be based only on an observation of functional data so it was converted to no classification on 2025-07-30.

Literature cited by the submitters: PubMed 25085752 (cited by Myriad Genetics, Inc.); PubMed 30209399 (cited by 3 submitters).

NM_007294.4(BRCA1):c.5193+3A>G

Gene: BRCA1 (BRCA1 DNA repair associated; minus strand). Cytogenetic location: 17q21.31.
Variant type: single nucleotide variant.
Coding change: c.5193+3A>G on transcript NM_007294.4 (MANE Select); 3 bases into the intron after coding-DNA position 5193, A replaced by G.
Molecular consequence: intron variant.
Genome position (GRCh38, 1-based): chr17:43,063,330, T>C on the plus strand (A>G on the coding strand, the complement: BRCA1 is on the minus strand). VCF-style: chr17-43063330-T-C. GRCh37 (hg19) VCF-style: chr17-41215347-T-C.
Other names: c.1740+3A>G (NM_001408458.1, NM_001408461.1, NM_001408464.1 and 7 more transcripts); c.4302+3A>G (NM_001407967.1); c.4812+3A>G (NM_001407959.1); c.4926+3A>G (NM_001407931.1, NM_001407932.1, NM_001407928.1 and 4 more transcripts); c.5049+3A>G (NM_001407747.1, NM_001407745.1, NM_001407737.1 and 21 more transcripts); c.4809+3A>G (NM_001407962.1, NM_001407960.1); c.1380+3A>G (NM_001408512.1); c.1503+3A>G (NM_001408510.1); and 72 more.
Identifiers: ClinVar variation 409301 (VCV000409301.27), dbSNP rs1060502326, ClinGen allele CA16615375.